The following is an entry in ClinVar:

ClinVar aggregate classification (germline): Uncertain significance. Review status: reviewed by expert panel (3 of 4 stars). 6 submissions from 6 submitters: Uncertain significance (1). 5 of the submissions do not count toward it. Last evaluated 2023-11-13.

Conditions:
Hereditary thrombocytopenia and hematological cancer predisposition syndrome associated with RUNX1. Also called: PLATELET DISORDER, ASPIRIN-LIKE; RUNX1 Familial Platelet Disorder with Associated Myeloid Malignancies; Familial Platelet Disorder with Propensity to Acute Myelogenous Leukemia; Familial thrombocytopenia with propensity to acute myelogenous leukemia. Identifiers: Orphanet 71290, MedGen C1832388, MeSH C563324, MONDO:0100083, OMIM 601399.
Hereditary thrombocytopenia and hematologic cancer predisposition syndrome. Identifiers: Orphanet 71290, MedGen CN281654, MONDO:0011071.
Inborn genetic diseases. Identifiers: MedGen C0950123, MeSH D030342.
Acute myeloid leukemia (AML). Also called: Acute myeloid leukemia, adult; AML adult; Acute non-lymphocytic leukemia; Acute granulocytic leukemia; Leukemia, acute myeloid, somatic; Leukemia, acute myelogenous, somatic. Identifiers: Orphanet 519, MedGen C0023467, MeSH D015470, MONDO:0018874, OMIM 601626, HP:0004808. Disease mechanism: Constitutively activated FLT3.

Allele frequency attached by ClinVar (database versions not stated): gnomAD 0.00001; gnomAD exomes 0.00001; ExAC 0.00002; TOPMed 0.00002.
gnomAD v4.1: 49 of 1,600,776 alleles (0.0031%); highest among the groups gnomAD compares: Non-Finnish European, 0.0037%; no homozygotes.

Submissions (6):

ClinGen Myeloid Malignancy Variant Curation Expert Panel
Classification: Uncertain significance for Hereditary thrombocytopenia and hematologic cancer predisposition syndrome. Last evaluated: 2023-11-13. Review status: reviewed by expert panel. Criteria: ClinGen MyeloMalig ACMG Specifications v2. Collection method: curation. Allele origin: germline. Inheritance: Autosomal dominant inheritance.
Comment: In summary, the clinical significance of this variant is uncertain. ACMG/AMP criteria applied, as specified by the Myeloid Malignancy Variant Curation Expert Panel for RUNX1: No codes met.

Labcorp Genetics (formerly Invitae), Labcorp
Classification: Uncertain significance for Hereditary thrombocytopenia and hematological cancer predisposition syndrome associated with RUNX1. Last evaluated: 2025-06-24. Review status: criteria provided, single submitter. Criteria: Invitae Variant Classification Sherloc (09022015). Collection method: clinical testing. Allele origin: germline. Not counted in ClinVar's aggregate classification.
Comment: This sequence change replaces proline, which is neutral and non-polar, with leucine, which is neutral and non-polar, at codon 49 of the RUNX1 protein (p.Pro49Leu). This variant is present in population databases (rs752298116, gnomAD 0.003%). This variant has not been reported in the literature in individuals affected with RUNX1-related conditions. ClinVar contains an entry for this variant (Variation ID: 858424). Invitae Evidence Modeling of protein sequence and biophysical properties (such as structural, functional, and spatial information, amino acid conservation, physicochemical variation, residue mobility, and thermodynamic stability) has been performed for this missense variant. However, the output from this modeling did not meet the statistical confidence thresholds required to predict the impact of this variant on RUNX1 protein function. In summary, the available evidence is currently insufficient to determine the role of this variant in disease. Therefore, it has been classified as a Variant of Uncertain Significance.

Ambry Genetics
Classification: Uncertain significance for Inborn genetic diseases. Last evaluated: 2025-01-06. Review status: criteria provided, single submitter. Criteria: Ambry Variant Classification Scheme 2023. Collection method: clinical testing. Allele origin: germline. Not counted in ClinVar's aggregate classification.
Comment: The p.P49L variant (also known as c.146C>T), located in coding exon 3 of the RUNX1 gene, results from a C to T substitution at nucleotide position 146. The proline at codon 49 is replaced by leucine, an amino acid with similar properties. This amino acid position is highly conserved in available vertebrate species. In addition, the in silico prediction for this alteration is inconclusive. Based on the available evidence, the clinical significance of this variant remains unclear.

GeneDx
Classification: Uncertain significance. Last evaluated: 2024-05-28. Review status: criteria provided, single submitter. Criteria: GeneDx Variant Classification Process June 2021. Collection method: clinical testing. Allele origin: germline. Not counted in ClinVar's aggregate classification.
Comment: Not observed at significant frequency in large population cohorts (gnomAD); In silico analysis supports that this missense variant has a deleterious effect on protein structure/function; Has not been previously published as pathogenic or benign to our knowledge

Baylor Genetics
Classification: Uncertain significance for Acute myeloid leukemia. Last evaluated: 2023-05-11. Review status: criteria provided, single submitter. Criteria: ACMG Guidelines, 2015. Collection method: clinical testing. Allele origin: unknown. Not counted in ClinVar's aggregate classification.

Genetic Services Laboratory, University of Chicago
Classification: Uncertain significance. Last evaluated: 2021-09-21. Review status: criteria provided, single submitter. Criteria: ACMG Guidelines, 2015. Collection method: clinical testing. Allele origin: germline. Affected: no. Not counted in ClinVar's aggregate classification.
Comment: DNA sequence analysis of the RUNX1 gene demonstrated a sequence change, c.146C>T, in exon 4 that results in an amino acid change, p.Pro49Leu. This sequence change has been described in the gnomAD database with a frequency of 0.0058% in the Latino/Admixed American subpopulation (dbSNP rs752298116). The p.Pro49Leu change affects a moderately conserved amino acid residue located in a domain of the RUNX1 protein that is known to be functional. In-silico pathogenicity prediction tools (SIFT, PolyPhen2, Align GVGD, REVEL) provide contradictory results for the p.Pro49Leu substitution. This sequence change does not appear to have been previously described in individuals with RUNX1-related disorders. Due to insufficient evidences and the lack of functional studies, the clinical significance of the p.Pro49Leu change remains unknown at this time.

NM_001754.5(RUNX1):c.146C>T (p.Pro49Leu)

Gene: RUNX1 (RUNX family transcription factor 1; minus strand). Cytogenetic location: 21q22.12.
Variant type: single nucleotide variant.
Coding change: c.146C>T on transcript NM_001754.5 (MANE Select); coding-DNA position 146, C replaced by T.
Protein change: p.Pro49Leu; replaces proline 49 with leucine.
Molecular consequence: missense variant.
Genome position (GRCh38, 1-based): chr21:34,887,048, G>A on the plus strand (C>T on the coding strand, the complement: RUNX1 is on the minus strand). VCF-style: chr21-34887048-G-A. GRCh37 (hg19) VCF-style: chr21-36259345-G-A.
Other names: NM_001754.5(RUNX1):c.146C>T; p.Pro49Leu; c.65C>T, p.Pro22Leu (NM_001001890.3, NM_001122607.2); short protein forms P22L, P49L.
Identifiers: ClinVar variation 858424 (VCV000858424.16), dbSNP rs752298116, ClinGen allele CA10014583.